The following is an entry in ClinVar:

ClinVar aggregate classification (germline): Likely benign (0 of 4 stars; one submission).

Conditions:
PLXNA4-related disorder. Also called: PLXNA4-related condition.

Allele frequency attached by ClinVar (database versions not stated): TOPMed below 0.00001; gnomAD 0.00001; gnomAD exomes 0.00001; ExAC 0.00002.
gnomAD v4.1: 16 of 1,610,016 alleles (0.00099%); highest among the groups gnomAD compares: Middle Eastern, 0.066%; no homozygotes.

Submission:

PreventionGenetics, part of Exact Sciences
Classification: Likely benign for PLXNA4-related condition. Last evaluated: 2022-09-08. Review status: no assertion criteria provided. Collection method: clinical testing. Allele origin: germline.
Comment: This variant is classified as likely benign based on ACMG/AMP sequence variant interpretation guidelines (Richards et al. 2015 PMID: 25741868, with internal and published modifications).

NM_020911.2(PLXNA4):c.78C>T (p.Leu26=)

Gene: PLXNA4 (plexin A4; minus strand). Cytogenetic location: 7q32.3.
Variant type: single nucleotide variant.
Coding change: c.78C>T on transcript NM_020911.2 (MANE Select); coding-DNA position 78, C replaced by T.
Protein change: p.Leu26=; no amino-acid change (leucine 26 retained).
Molecular consequence: synonymous variant.
Genome position (GRCh38, 1-based): chr7:132,508,616, G>A on the plus strand (C>T on the coding strand, the complement: PLXNA4 is on the minus strand). VCF-style: chr7-132508616-G-A. GRCh37 (hg19) VCF-style: chr7-132193375-G-A.
Other names: c.78C>T, p.Leu26= (NM_001105543.2, NM_001393897.1, NM_181775.4).
Identifiers: ClinVar variation 3039987 (VCV003039987.2), dbSNP rs748670395, ClinGen allele CA4490561.